The following is an entry in ClinVar:

ClinVar aggregate classification (germline): Benign/Likely benign. Review status: criteria provided, multiple submitters, no conflicts (2 of 4 stars). 6 submissions from 6 submitters: Benign (1); Likely benign (4). 1 of the submissions does not count toward it. Last evaluated 2026-04-14.

Conditions:
Hereditary cancer-predisposing syndrome. Also called: Tumor predisposition; Hereditary neoplastic syndrome; Neoplastic Syndromes, Hereditary; Hereditary Cancer Syndrome. Identifiers: Orphanet 140162, MedGen C0027672, MeSH D009386, MONDO:0015356.
DICER1-related disorder. Also called: DICER1-related condition.
DICER1-related tumor predisposition. Also called: DICER1-related pleuropulmonary blastoma cancer predisposition syndrome; DICER1 syndrome. Identifiers: Orphanet 284343, MedGen C3839822, MONDO:0100216.

Allele frequency attached by ClinVar (database versions not stated): gnomAD exomes below 0.00001; ExAC 0.00001; gnomAD 0.00001; TOPMed 0.00001.
gnomAD v4.1: 6 of 1,614,042 alleles (0.00037%); highest among the groups gnomAD compares: Non-Finnish European, 0.00042%; no homozygotes.

Submissions (6):

Myriad Genetics, Inc.
Classification: Benign for DICER1-related tumor predisposition. Last evaluated: 2026-04-14. Review status: criteria provided, single submitter. Criteria: Myriad Autosomal Dominant, Autosomal Recessive and X-Linked Classification Criteria (2023). Collection method: clinical testing. Allele origin: unknown.
Comment: This variant is considered benign. This variant is a silent/synonymous amino acid change and it is not expected to impact splicing.

Labcorp Genetics (formerly Invitae), Labcorp
Classification: Likely benign for DICER1-related tumor predisposition. Last evaluated: 2026-01-11. Review status: criteria provided, single submitter. Criteria: Invitae Variant Classification Sherloc (09022015). Collection method: clinical testing. Allele origin: germline.

Hereditary Cancer Group, L’Institut d'Investigació Biomèdica de Bellvitge
Classification: Likely benign for Hereditary cancer-predisposing syndrome. Last evaluated: 2024-12-19. Review status: criteria provided, single submitter. Criteria: Hatton et al. (Hum Mutat. 2023). Collection method: clinical testing. Allele origin: germline. Inheritance: Autosomal dominant inheritance. Affected: yes.
Comment: BP4, BP7

Blueprint Genetics
Classification: Likely benign. Last evaluated: 2020-09-15. Review status: criteria provided, single submitter. Criteria: ACMG Guidelines, 2015. Collection method: clinical testing. Allele origin: germline.

Ambry Genetics
Classification: Likely benign for Hereditary cancer-predisposing syndrome. Last evaluated: 2018-11-14. Review status: criteria provided, single submitter. Criteria: Ambry Variant Classification Scheme 2023. Collection method: clinical testing. Allele origin: germline.

PreventionGenetics, part of Exact Sciences
Classification: Likely benign for DICER1-related condition. Last evaluated: 2023-10-05. Review status: no assertion criteria provided. Collection method: clinical testing. Allele origin: germline. Not counted in ClinVar's aggregate classification.
Comment: This variant is classified as likely benign based on ACMG/AMP sequence variant interpretation guidelines (Richards et al. 2015 PMID: 25741868, with internal and published modifications).

NM_177438.3(DICER1):c.126T>C (p.Tyr42=)

Gene: DICER1 (dicer 1, ribonuclease III; minus strand). Cytogenetic location: 14q32.13.
Variant type: single nucleotide variant.
Coding change: c.126T>C on transcript NM_177438.3 (MANE Select); coding-DNA position 126, T replaced by C.
Protein change: p.Tyr42=; no amino-acid change (tyrosine 42 retained).
Molecular consequence: synonymous variant.
Genome position (GRCh38, 1-based): chr14:95,133,333, A>G on the plus strand (T>C on the coding strand, the complement: DICER1 is on the minus strand). VCF-style: chr14-95133333-A-G. GRCh37 (hg19) VCF-style: chr14-95599670-A-G.
Other names: c.126T>C, p.Tyr42= (NM_001195573.1, NM_001271282.3, NM_001291628.2 and 1 more transcripts).
Identifiers: ClinVar variation 758408 (VCV000758408.21), dbSNP rs774809100, ClinGen allele CA7331743.